The following is an entry in ClinVar:

NM_003542.4(H4C3):c.156T>C (p.Tyr52=)

Gene: H4C3 (H4 clustered histone 3; plus strand). Cytogenetic location: 6p22.2.
Variant type: single nucleotide variant.
Coding change: c.156T>C on transcript NM_003542.4 (MANE Select); coding-DNA position 156, T replaced by C.
Protein change: p.Tyr52=; no amino-acid change (tyrosine 52 retained).
Molecular consequence: synonymous variant.
Genome position (GRCh38, 1-based): chr6:26,104,103, T>C. VCF-style: chr6-26104103-T-C. GRCh37 (hg19) VCF-style: chr6-26104331-T-C.
Identifiers: ClinVar variation 3035811 (VCV003035811.2), dbSNP rs756402378, ClinGen allele CA449421585.

ClinVar aggregate classification (germline): Likely benign (0 of 4 stars; one submission).

Conditions:
H4C3-related disorder. Also called: H4C3-related condition.

gnomAD v4.1: 7 of 1,614,188 alleles (0.00043%); highest among the groups gnomAD compares: Middle Eastern, 0.017%; no homozygotes.

Submission:

PreventionGenetics, part of Exact Sciences
Classification: Likely benign for H4C3-related condition. Last evaluated: 2019-08-12. Review status: no assertion criteria provided. Collection method: clinical testing. Allele origin: germline.
Comment: This variant is classified as likely benign based on ACMG/AMP sequence variant interpretation guidelines (Richards et al. 2015 PMID: 25741868, with internal and published modifications).